The following is an entry in ClinVar:

NM_003442.6(ZNF143):c.570+6G>C

Gene: ZNF143 (zinc finger protein 143; plus strand). Cytogenetic location: 11p15.4.
Variant type: single nucleotide variant.
Coding change: c.570+6G>C on transcript NM_003442.6 (MANE Select); 6 bases into the intron after coding-DNA position 570, G replaced by C.
Molecular consequence: intron variant.
Genome position (GRCh38, 1-based): chr11:9,478,592, G>C. VCF-style: chr11-9478592-G-C. GRCh37 (hg19) VCF-style: chr11-9500139-G-C.
Other names: c.567+6G>C (NM_001282656.2); c.477+6G>C (NM_001282657.2).
Identifiers: ClinVar variation 2066488 (VCV002066488.4), dbSNP rs915708098, ClinGen allele CA217591437.

ClinVar aggregate classification (germline): Uncertain significance (1 of 4 stars; one submission).

Submission:

Labcorp Genetics (formerly Invitae), Labcorp
Classification: Uncertain significance. Last evaluated: 2022-06-15. Review status: criteria provided, single submitter. Criteria: Invitae Variant Classification Sherloc (09022015). Collection method: clinical testing. Allele origin: germline.
Comment: This variant has not been reported in the literature in individuals affected with ZNF143-related conditions. Variants that disrupt the consensus splice site are a relatively common cause of aberrant splicing (PMID: 17576681, 9536098). Algorithms developed to predict the effect of sequence changes on RNA splicing suggest that this variant is not likely to affect RNA splicing. In summary, the available evidence is currently insufficient to determine the role of this variant in disease. Therefore, it has been classified as a Variant of Uncertain Significance. This variant is not present in population databases (gnomAD no frequency). This sequence change falls in intron 6 of the ZNF143 gene. It does not directly change the encoded amino acid sequence of the ZNF143 protein. It affects a nucleotide within the consensus splice site.

Literature cited by the submitters: PubMed 17576681; PubMed 9536098.